The following is an entry in ClinVar:

ClinVar aggregate classification (germline): Uncertain significance. Review status: criteria provided, multiple submitters, no conflicts (2 of 4 stars). 2 submissions from 2 submitters: Uncertain significance (2). Last evaluated 2025-09-28.

Allele frequency attached by ClinVar (database versions not stated): TOPMed below 0.00001; gnomAD 0.00001; gnomAD exomes 0.00001.
gnomAD v4.1: 11 of 1,614,044 alleles (0.00068%); highest among the groups gnomAD compares: South Asian, 0.0011%; no homozygotes.

Submissions (2):

Labcorp Genetics (formerly Invitae), Labcorp
Classification: Uncertain significance. Last evaluated: 2025-09-28. Review status: criteria provided, single submitter. Criteria: Invitae Variant Classification Sherloc (09022015). Collection method: clinical testing. Allele origin: germline.
Comment: This sequence change falls in intron 14 of the ACAD9 gene. It does not directly change the encoded amino acid sequence of the ACAD9 protein. This variant is present in population databases (no rsID available, gnomAD 0.002%). This variant has not been reported in the literature in individuals affected with ACAD9-related conditions. ClinVar contains an entry for this variant (Variation ID: 2159276). Algorithms developed to predict the effect of sequence changes on RNA splicing suggest that this variant may create or strengthen a splice site. In summary, the available evidence is currently insufficient to determine the role of this variant in disease. Therefore, it has been classified as a Variant of Uncertain Significance.

Blueprint Genetics
Classification: Uncertain significance. Last evaluated: 2024-09-06. Review status: criteria provided, single submitter. Criteria: ACMG Guidelines, 2015. Collection method: clinical testing. Allele origin: germline.

NM_014049.5(ACAD9):c.1486-4A>G

Gene: ACAD9 (acyl-CoA dehydrogenase family member 9; plus strand). Cytogenetic location: 3q21.3.
Variant type: single nucleotide variant.
Coding change: c.1486-4A>G on transcript NM_014049.5 (MANE Select); 4 bases into the intron before coding-DNA position 1486, A replaced by G.
Molecular consequence: intron variant.
Genome position (GRCh38, 1-based): chr3:128,909,340, A>G. VCF-style: chr3-128909340-A-G. GRCh37 (hg19) VCF-style: chr3-128628183-A-G.
Identifiers: ClinVar variation 2159276 (VCV002159276.3), dbSNP rs1451227667, ClinGen allele CA546182855.
Genomic context (GRCh38, chr3:128,909,340, plus strand): 5'-CTGTGAGACAGGACAGGGCACTGTAGGGATGAGGTGCTGAACTGAGTCCTGTCTTGGTTA[A>G]TAGGACAGTGCCAACAAGTTTGAGGAGAACACCTACTGCTTCGGCCGGACCGTGGAGACA-3'